The following is an entry in ClinVar:

ClinVar aggregate classification (germline): Uncertain significance (1 of 4 stars; one submission).

gnomAD v4.1: 2 of 1,608,376 alleles (0.00012%); highest among the groups gnomAD compares: Admixed American, 0.0017%; no homozygotes.

Submission:

Mayo Clinic Laboratories, Mayo Clinic
Classification: Uncertain significance. Last evaluated: 2025-01-19. Review status: criteria provided, single submitter. Criteria: ACMG Guidelines, 2015. Collection method: clinical testing. Allele origin: germline. Observed: 1 variant allele.
Comment: PM2_supporting

NM_020821.3(VPS13C):c.1316T>G (p.Phe439Cys)

Gene: VPS13C (vacuolar protein sorting 13 homolog C; minus strand). Cytogenetic location: 15q22.2.
Variant type: single nucleotide variant.
Coding change: c.1316T>G on transcript NM_020821.3 (MANE Select); coding-DNA position 1316, T replaced by G.
Protein change: p.Phe439Cys; replaces phenylalanine 439 with cysteine.
Molecular consequence: missense variant.
Genome position (GRCh38, 1-based): chr15:62,000,601, A>C on the plus strand (T>G on the coding strand, the complement: VPS13C is on the minus strand). VCF-style: chr15-62000601-A-C. GRCh37 (hg19) VCF-style: chr15-62292800-A-C.
Other names: p.Phe439Cys; c.1316T>G, p.Phe439Cys (NM_001018088.3); c.1187T>G, p.Phe396Cys (NM_017684.5, NM_018080.4); short protein forms F396C, F439C.
Identifiers: ClinVar variation 4541962 (VCV004541962.1).